The following is an entry in ClinVar:

NM_000545.8(HNF1A):c.229G>A (p.Asp77Asn)

Gene: HNF1A (HNF1 homeobox A; plus strand). Cytogenetic location: 12q24.31.
Variant type: single nucleotide variant.
Coding change: c.229G>A on transcript NM_000545.8 (MANE Select); coding-DNA position 229, G replaced by A.
Protein change: p.Asp77Asn; replaces aspartic acid 77 with asparagine.
Molecular consequence: missense variant.
Genome position (GRCh38, 1-based): chr12:120,978,997, G>A. VCF-style: chr12-120978997-G-A. GRCh37 (hg19) VCF-style: chr12-121416800-G-A.
Other names: NM_001306179.2:c.229G>A; c.229G>A, p.Asp77Asn (NM_001306179.2, NM_001406915.1); short protein forms D77N.
Identifiers: ClinVar variation 4526407 (VCV004526407.1).

ClinVar aggregate classification (germline): Uncertain significance (3 of 4 stars; one submission).

Conditions:
Monogenic diabetes. Identifiers: Orphanet 183625, MedGen C3888631, MONDO:0015967.

gnomAD v4.1: 3 of 1,609,272 alleles (0.00019%); highest among the groups gnomAD compares: East Asian, 0.0022%; no homozygotes.

Submission:

ClinGen Monogenic Diabetes Variant Curation Expert Panel
Classification: Uncertain significance for Monogenic diabetes. Last evaluated: 2025-10-27. Review status: reviewed by expert panel. Criteria: ClinGen Diabetes ACMG Specifications HNF1A V3.1.0. Collection method: curation. Allele origin: germline. Inheritance: Autosomal dominant inheritance.
Comment: The c.229G>A variant in the HNF1 homeobox A gene, HNF1A, causes an amino acid change of aspartic acid to asparagine at codon 77 (p.(Asp77Asn)) of NM_000545.8. This variant has a gnomAD v4.1.0 Grpmax filtering allele frequency of 2.81e-7, which is below the ClinGen MDEP threshold of 0.000003 (PM2_Supporting). This variant has a REVEL score of 0.554, which is between the ClinGen MDEP thresholds for BP4 and PP3, predicting neither a damaging nor benign impact on HNF1A function. This variant was identified in an individual with diabetes; however, the MODY probability is unable to be calculated due to lack of clinical information (PMID: 34496959; internal lab contributors). This variant segregated with diabetes with one informative meiosis in a single family; however, this does not meet the thresholds for PP1 set by the ClinGen MDEP (PMID: 27236918, internal lab contributors). In summary, c.229G>A meets the criteria to be classified as a variant of uncertain significance for monogenic diabetes. ACMG/AMP criteria applied, as specified by the ClinGen MDEP (specification version 3.1.0, approved 10/10/2025): PM2_Supporting.